The following is an entry in ClinVar:

ClinVar aggregate classification (germline): Conflicting classifications of pathogenicity. Review status: criteria provided, conflicting classifications (1 of 4 stars). 3 submissions from 2 submitters: Uncertain significance (2); Likely benign (1). Last evaluated 2023-12-13.

Conditions:
Transitory neonatal diabetes mellitus. Also called: Transient neonatal diabetes mellitus. Identifiers: MedGen C0342273, MONDO:0020525, HP:0008255.
Maturity-onset diabetes of the young (MODY). Also called: Maturity onset diabetes mellitus in young. Identifiers: Orphanet 552, MedGen C0342276, MONDO:0018911, HP:0004904.

Allele frequency attached by ClinVar (database versions not stated): gnomAD exomes below 0.00001 and 0.00002; ExAC 0.00001; TOPMed 0.00002.
gnomAD v4.1: 7 of 1,614,164 alleles (0.00043%); highest among the groups gnomAD compares: Middle Eastern, 0.016%; no homozygotes.

Submissions (3):

Labcorp Genetics (formerly Invitae), Labcorp
Classification: Likely benign. Last evaluated: 2023-12-13. Review status: criteria provided, single submitter. Criteria: Invitae Variant Classification Sherloc (09022015). Collection method: clinical testing. Allele origin: germline.

Clinical Genomics, Uppaluri K&H Personalized Medicine Clinic
Classification: Uncertain significance for Maturity-onset diabetes of the young. Review status: criteria provided, single submitter. Criteria: K & H Uppaluri Personalized Medicine Clinic Variant Classification & Assertion Criteria_Updated V.1. Collection method: research. Allele origin: unknown. Inheritance: Autosomal dominant inheritance.
Comment: Mutations in ABCC8 gene are associated with both neonatal diabetes mellitus as well as MODY. Patients with this mutation may have a better response to sulfonylureas. However, no sufficient evidence is found to ascertain the role of this particular variant ( rs747552453) in MODY yet.

Clinical Genomics, Uppaluri K&H Personalized Medicine Clinic
Classification: Uncertain significance for Transitory neonatal diabetes mellitus. Review status: criteria provided, single submitter. Criteria: K & H Uppaluri Personalized Medicine Clinic Variant Classification & Assertion Criteria_Updated V.1. Collection method: research. Allele origin: unknown. Inheritance: Somatic mutation.
Comment: Mutations in ABCC8 gene are associated with both neonatal diabetes mellitus as well as MODY. Patients with this mutation may have a better response to sulfonylureas. However, no sufficient evidence is found to ascertain the role of this particular variant ( rs747552453) in neonatal diabetes yet.

Literature cited by the submitters: PubMed 16885549 (cited by Clinical Genomics, Uppaluri K&H Personalized Medicine Clinic); PubMed 21989597 (cited by Clinical Genomics, Uppaluri K&H Personalized Medicine Clinic); PubMed 27538677 (cited by Clinical Genomics, Uppaluri K&H Personalized Medicine Clinic); PubMed 18981553 (cited by Clinical Genomics, Uppaluri K&H Personalized Medicine Clinic); PubMed 32027066 (cited by Clinical Genomics, Uppaluri K&H Personalized Medicine Clinic); PubMed 16613899 (cited by Clinical Genomics, Uppaluri K&H Personalized Medicine Clinic); PubMed 18025408 (cited by Clinical Genomics, Uppaluri K&H Personalized Medicine Clinic); PubMed 32792356 (cited by Clinical Genomics, Uppaluri K&H Personalized Medicine Clinic).

NM_000352.6(ABCC8):c.1071C>G (p.Val357=)

Gene: ABCC8 (ATP binding cassette subfamily C member 8; minus strand). Cytogenetic location: 11p15.1.
Variant type: single nucleotide variant.
Coding change: c.1071C>G on transcript NM_000352.6 (MANE Select); coding-DNA position 1071, C replaced by G.
Protein change: p.Val357=; no amino-acid change (valine 357 retained).
Molecular consequence: synonymous variant. On other transcripts: non-coding transcript variant (1).
Genome position (GRCh38, 1-based): chr11:17,453,224, G>C on the plus strand (C>G on the coding strand, the complement: ABCC8 is on the minus strand). VCF-style: chr11-17453224-G-C. GRCh37 (hg19) VCF-style: chr11-17474771-G-C.
Other names: c.1071C>G, p.Val357= (NM_001287174.3, NM_001351295.2); c.1068C>G, p.Val356= (NM_001351296.2, NM_001351297.2).
Identifiers: ClinVar variation 793514 (VCV000793514.11), dbSNP rs747552453, ClinGen allele CA5903676.